The following is an entry in ClinVar:

NM_006767.4(LZTR1):c.2088C>G (p.Phe696Leu)

Gene: LZTR1 (leucine zipper like post translational regulator 1; plus strand). Cytogenetic location: 22q11.21.
Variant type: single nucleotide variant.
Coding change: c.2088C>G on transcript NM_006767.4 (MANE Select); coding-DNA position 2088, C replaced by G.
Protein change: p.Phe696Leu; replaces phenylalanine 696 with leucine.
Molecular consequence: missense variant.
Genome position (GRCh38, 1-based): chr22:20,995,981, C>G. VCF-style: chr22-20995981-C-G. GRCh37 (hg19) VCF-style: chr22-21350270-C-G.
Other names: short protein forms F696L.
Identifiers: ClinVar variation 1785663 (VCV001785663.5), dbSNP rs2147969558, ClinGen allele CA410779238.

ClinVar aggregate classification (germline): Uncertain significance. Review status: criteria provided, multiple submitters, no conflicts (2 of 4 stars). 2 submissions from 2 submitters: Uncertain significance (2). Last evaluated 2023-12-19.

Conditions:
Hereditary cancer-predisposing syndrome. Also called: Neoplastic Syndromes, Hereditary; Tumor predisposition; Hereditary Cancer Syndrome; Hereditary neoplastic syndrome. Identifiers: Orphanet 140162, MedGen C0027672, MeSH D009386, MONDO:0015356.
Cardiovascular phenotype. Identifiers: MedGen CN230736.

Submissions (2):

Labcorp Genetics (formerly Invitae), Labcorp
Classification: Uncertain significance. Last evaluated: 2023-12-19. Review status: criteria provided, single submitter. Criteria: Invitae Variant Classification Sherloc (09022015). Collection method: clinical testing. Allele origin: germline.
Comment: This sequence change replaces phenylalanine, which is neutral and non-polar, with leucine, which is neutral and non-polar, at codon 696 of the LZTR1 protein (p.Phe696Leu). This variant is not present in population databases (gnomAD no frequency). This variant has not been reported in the literature in individuals affected with LZTR1-related conditions. ClinVar contains an entry for this variant (Variation ID: 1785663). Advanced modeling of protein sequence and biophysical properties (such as structural, functional, and spatial information, amino acid conservation, physicochemical variation, residue mobility, and thermodynamic stability) performed at Invitae indicates that this missense variant is not expected to disrupt LZTR1 protein function with a negative predictive value of 80%. In summary, the available evidence is currently insufficient to determine the role of this variant in disease. Therefore, it has been classified as a Variant of Uncertain Significance.

Ambry Genetics
Classification: Uncertain significance for Cardiovascular phenotype; Hereditary cancer-predisposing syndrome. Last evaluated: 2022-09-08. Review status: criteria provided, single submitter. Criteria: Ambry Variant Classification Scheme 2023. Collection method: clinical testing. Allele origin: germline.
Comment: The p.F696L variant (also known as c.2088C>G), located in coding exon 18 of the LZTR1 gene, results from a C to G substitution at nucleotide position 2088. The phenylalanine at codon 696 is replaced by leucine, an amino acid with highly similar properties. This amino acid position is conserved. In addition, this alteration is predicted to be deleterious by in silico analysis. Since supporting evidence is limited at this time, the clinical significance of this alteration remains unclear.